The following is an entry in ClinVar:

ClinVar aggregate classification (germline): Conflicting classifications of pathogenicity. Review status: criteria provided, conflicting classifications (1 of 4 stars). 2 submissions from 2 submitters: Uncertain significance (1); Likely benign (1). Last evaluated 2026-06-02.

Conditions:
BCS1L-related disorder. Also called: BCS1L-related condition; BCS1L-related disorders. Identifiers: MedGen CN239240.

Allele frequency attached by ClinVar (database versions not stated): ExAC 0.00010.
gnomAD v4.1: 58 of 1,614,114 alleles (0.0036%); highest among the groups gnomAD compares: South Asian, 0.06%; no homozygotes.

Submissions (2):

PreventionGenetics, part of Exact Sciences
Classification: Uncertain significance for BCS1L-related condition. Last evaluated: 2026-06-02. Review status: criteria provided, single submitter. Criteria: ACMG Guidelines, 2015. Collection method: clinical testing. Allele origin: germline.
Comment: The BCS1L c.1074C>A variant is predicted to result in the amino acid substitution p.His358Gln. To our knowledge, this variant has not been reported in the literature. This variant is reported in 0.072% of alleles in individuals of South Asian descent in gnomAD. Although we suspect that this variant may be benign, at this time, the clinical significance of this variant is uncertain due to the absence of conclusive functional and genetic evidence.

Labcorp Genetics (formerly Invitae), Labcorp
Classification: Likely benign. Last evaluated: 2026-01-28. Review status: criteria provided, single submitter. Criteria: Invitae Variant Classification Sherloc (09022015). Collection method: clinical testing. Allele origin: germline.

NM_001079866.2(BCS1L):c.1074C>A (p.His358Gln)

Gene: BCS1L (BCS1 ubiquinol-cytochrome c reductase complex chaperone; plus strand). Cytogenetic location: 2q35.
Variant type: single nucleotide variant.
Coding change: c.1074C>A on transcript NM_001079866.2 (MANE Select); coding-DNA position 1074, C replaced by A.
Protein change: p.His358Gln; replaces histidine 358 with glutamine.
Molecular consequence: missense variant. On other transcripts: non-coding transcript variant (1).
Genome position (GRCh38, 1-based): chr2:218,663,200, C>A. VCF-style: chr2-218663200-C-A. GRCh37 (hg19) VCF-style: chr2-219527923-C-A.
Other names: c.1074C>A, p.His358Gln (NM_001257342.2, NM_001257343.2, NM_001257344.2 and 10 more transcripts); c.714C>A, p.His238Gln (NM_001318836.2, NM_001371451.1); c.573C>A, p.His191Gln (NM_001371452.1, NM_001371453.1, NM_001371454.1 and 3 more transcripts); short protein forms H191Q, H238Q, H358Q.
Identifiers: ClinVar variation 2078662 (VCV002078662.5), dbSNP rs752599536, ClinGen allele CA2109839.